The following is an entry in ClinVar:

NM_001111067.4(ACVR1):c.920G>A (p.Arg307Gln)

Gene: ACVR1 (activin A receptor type 1; minus strand). Cytogenetic location: 2q24.1.
Variant type: single nucleotide variant.
Coding change: c.920G>A on transcript NM_001111067.4 (MANE Select); coding-DNA position 920, G replaced by A.
Protein change: p.Arg307Gln; replaces arginine 307 with glutamine.
Molecular consequence: missense variant.
Genome position (GRCh38, 1-based): chr2:157,766,067, C>T on the plus strand (G>A on the coding strand, the complement: ACVR1 is on the minus strand). VCF-style: chr2-157766067-C-T. GRCh37 (hg19) VCF-style: chr2-158622579-C-T.
Other names: c.920G>A, p.Arg307Gln (NM_001105.5, NM_001347663.1, NM_001347664.1 and 3 more transcripts); c.920G>A (NM_001105.4); short protein forms R307Q.
Identifiers: ClinVar variation 1384490 (VCV001384490.30), dbSNP rs766547414, ClinGen allele CA1919036.

ClinVar aggregate classification (germline): Uncertain significance. Review status: criteria provided, multiple submitters, no conflicts (2 of 4 stars). 3 submissions from 3 submitters: Uncertain significance (3). Last evaluated 2025-12-08.

Conditions:
Inborn genetic diseases. Identifiers: MedGen C0950123, MeSH D030342.

Allele frequency attached by ClinVar (database versions not stated): ExAC 0.00002.
gnomAD v4.1: 26 of 1,613,904 alleles (0.0016%); highest among the groups gnomAD compares: Middle Eastern, 0.016%; 1 homozygote.

Submissions (3):

Labcorp Genetics (formerly Invitae), Labcorp
Classification: Uncertain significance. Last evaluated: 2025-12-08. Review status: criteria provided, single submitter. Criteria: Invitae Variant Classification Sherloc (09022015). Collection method: clinical testing. Allele origin: germline.
Comment: This sequence change replaces arginine, which is basic and polar, with glutamine, which is neutral and polar, at codon 307 of the ACVR1 protein (p.Arg307Gln). This variant is present in population databases (rs766547414, gnomAD 0.006%). This variant has not been reported in the literature in individuals affected with ACVR1-related conditions. This missense change has been observed in at least one individual who was not affected with ACVR1-related conditions (internal data). ClinVar contains an entry for this variant (Variation ID: 1384490). An algorithm developed to predict the effect of missense changes on protein structure and function (PolyPhen-2) suggests that this variant is likely to be disruptive. In summary, the available evidence is currently insufficient to determine the role of this variant in disease. Therefore, it has been classified as a Variant of Uncertain Significance.

CeGaT Center for Human Genetics Tuebingen
Classification: Uncertain significance. Last evaluated: 2022-08-01. Review status: criteria provided, single submitter. Criteria: CeGaT Center For Human Genetics Tuebingen Variant Classification Criteria Version 2. Collection method: clinical testing. Allele origin: germline. Affected: yes. Observed: 1 variant allele.
Comment: ACVR1: PM1

Ambry Genetics
Classification: Uncertain significance for Inborn genetic diseases. Last evaluated: 2022-03-11. Review status: criteria provided, single submitter. Criteria: Ambry Variant Classification Scheme 2023. Collection method: clinical testing. Allele origin: germline.